The following is an entry in ClinVar:

ClinVar aggregate classification (germline): Uncertain significance. Review status: criteria provided, multiple submitters, no conflicts (2 of 4 stars). 3 submissions from 3 submitters: Uncertain significance (3). Last evaluated 2026-02-09.

Conditions:
Meckel-Gruber syndrome. Also called: DYSENCEPHALIA SPLANCHNOCYSTICA; GRUBER SYNDROME; Dysencephalia splachnocystica. Identifiers: Orphanet 564, MedGen C0265215, MONDO:0018921.
Joubert syndrome. Also called: JOUBERT-BOLTSHAUSER SYNDROME; Familial aplasia of the vermis. Identifiers: Orphanet 475, MedGen C5979921, MONDO:0018772.
RPGRIP1L-related disorder. Also called: RPGRIP1L-related condition; RPGRIP1L-related disorders. Identifiers: MedGen CN239416.

gnomAD v4.1: 2 of 1,613,448 alleles (0.00012%); highest among the groups gnomAD compares: Middle Eastern, 0.017%; no homozygotes.

Submissions (3):

PreventionGenetics, part of Exact Sciences
Classification: Uncertain significance for RPGRIP1L-related condition. Last evaluated: 2026-02-09. Review status: criteria provided, single submitter. Criteria: ACMG Guidelines, 2015. Collection method: clinical testing. Allele origin: germline.
Comment: The RPGRIP1L c.3659T>C variant is predicted to result in the amino acid substitution p.Ile1220Thr. To our knowledge, this variant has not been reported in the literature or in a large population database (gnomAD), indicating this variant is rare. At this time, the clinical significance of this variant is uncertain due to the absence of conclusive functional and genetic evidence.

Labcorp Genetics (formerly Invitae), Labcorp
Classification: Uncertain significance for Joubert syndrome; Meckel-Gruber syndrome. Last evaluated: 2024-02-17. Review status: criteria provided, single submitter. Criteria: Invitae Variant Classification Sherloc (09022015). Collection method: clinical testing. Allele origin: germline.
Comment: This sequence change replaces isoleucine, which is neutral and non-polar, with threonine, which is neutral and polar, at codon 1220 of the RPGRIP1L protein (p.Ile1220Thr). This variant is not present in population databases (gnomAD no frequency). This variant has not been reported in the literature in individuals affected with RPGRIP1L-related conditions. ClinVar contains an entry for this variant (Variation ID: 1304950). Advanced modeling of protein sequence and biophysical properties (such as structural, functional, and spatial information, amino acid conservation, physicochemical variation, residue mobility, and thermodynamic stability) performed at Invitae indicates that this missense variant is not expected to disrupt RPGRIP1L protein function with a negative predictive value of 80%. In summary, the available evidence is currently insufficient to determine the role of this variant in disease. Therefore, it has been classified as a Variant of Uncertain Significance.

GeneDx
Classification: Uncertain significance. Last evaluated: 2020-08-31. Review status: criteria provided, single submitter. Criteria: GeneDx Variant Classification Process June 2021. Collection method: clinical testing. Allele origin: germline. Affected: yes.
Comment: Not observed in large population cohorts (Lek et al., 2016); In silico analysis supports that this missense variant does not alter protein structure/function; Has not been previously published as pathogenic or benign to our knowledge

NM_015272.5(RPGRIP1L):c.3659T>C (p.Ile1220Thr)

Gene: RPGRIP1L (RPGRIP1 like; minus strand). Cytogenetic location: 16q12.2.
Variant type: single nucleotide variant.
Coding change: c.3659T>C on transcript NM_015272.5 (MANE Select); coding-DNA position 3659, T replaced by C.
Protein change: p.Ile1220Thr; replaces isoleucine 1220 with threonine.
Molecular consequence: missense variant.
Genome position (GRCh38, 1-based): chr16:53,611,009, A>G on the plus strand (T>C on the coding strand, the complement: RPGRIP1L is on the minus strand). VCF-style: chr16-53611009-A-G. GRCh37 (hg19) VCF-style: chr16-53644921-A-G.
Other names: c.3659T>C (NM_015272.4); c.3419T>C, p.Ile1140Thr (NM_001127897.4); c.3521T>C, p.Ile1174Thr (NM_001308334.3); c.3557T>C, p.Ile1186Thr (NM_001330538.2); short protein forms I1140T, I1174T, I1186T, I1220T.
Identifiers: ClinVar variation 1304950 (VCV001304950.7), dbSNP rs2150938312, ClinGen allele CA395922329.